The following is an entry in ClinVar:

ClinVar aggregate classification (germline): Uncertain significance. Review status: criteria provided, multiple submitters, no conflicts (2 of 4 stars). 2 submissions from 2 submitters: Uncertain significance (2). Last evaluated 2025-02-15.

Conditions:
Primary ciliary dyskinesia 23 (CILD23). Also called: CILIARY DYSKINESIA, PRIMARY, 23, WITH OR WITHOUT SITUS INVERSUS. Identifiers: Orphanet 244, MedGen C3809548, MONDO:0014193, OMIM 615451.
Primary ciliary dyskinesia. Also called: Ciliary dyskinesia. Identifiers: Orphanet 244, MedGen C0008780, MONDO:0016575, HP:0012265.

Allele frequency attached by ClinVar (database versions not stated): ExAC 0.00002; gnomAD exomes 0.00004 and 0.00011; gnomAD 0.00005 and 0.00006; TOPMed 0.00005; ESP Exome Variant Server 0.00008.
gnomAD v4.1: 176 of 1,613,818 alleles (0.011%); highest among the groups gnomAD compares: Non-Finnish European, 0.014%; no homozygotes.

Submissions (2):

Ambry Genetics
Classification: Uncertain significance for Primary ciliary dyskinesia. Last evaluated: 2025-02-15. Review status: criteria provided, single submitter. Criteria: Ambry Variant Classification Scheme 2023. Collection method: clinical testing. Allele origin: germline.

Labcorp Genetics (formerly Invitae), Labcorp
Classification: Uncertain significance for Primary ciliary dyskinesia 23. Last evaluated: 2022-08-09. Review status: criteria provided, single submitter. Criteria: Invitae Variant Classification Sherloc (09022015). Collection method: clinical testing. Allele origin: germline.
Comment: This sequence change replaces valine, which is neutral and non-polar, with isoleucine, which is neutral and non-polar, at codon 532 of the ARMC4 protein (p.Val532Ile). This variant is present in population databases (rs140950719, gnomAD 0.009%). This variant has not been reported in the literature in individuals affected with ARMC4-related conditions. ClinVar contains an entry for this variant (Variation ID: 474576). Algorithms developed to predict the effect of missense changes on protein structure and function (SIFT, PolyPhen-2, Align-GVGD) all suggest that this variant is likely to be tolerated. In summary, the available evidence is currently insufficient to determine the role of this variant in disease. Therefore, it has been classified as a Variant of Uncertain Significance.

NM_018076.5(ODAD2):c.1594G>A (p.Val532Ile)

Gene: ODAD2 (outer dynein arm docking complex subunit 2; minus strand). Cytogenetic location: 10p12.1.
Variant type: single nucleotide variant.
Coding change: c.1594G>A on transcript NM_018076.5 (MANE Select); coding-DNA position 1594, G replaced by A.
Protein change: p.Val532Ile; replaces valine 532 with isoleucine.
Molecular consequence: missense variant.
Genome position (GRCh38, 1-based): chr10:27,944,371, C>T on the plus strand (G>A on the coding strand, the complement: ODAD2 is on the minus strand). VCF-style: chr10-27944371-C-T. GRCh37 (hg19) VCF-style: chr10-28233300-C-T.
Other names: c.1594G>A, p.Val532Ile (NM_001290020.2); c.169G>A, p.Val57Ile (NM_001290021.2); c.670G>A, p.Val224Ile (NM_001312689.2); short protein forms V532I, V224I, V57I.
Identifiers: ClinVar variation 474576 (VCV000474576.11), dbSNP rs140950719, ClinGen allele CA5453476.